The following is an entry in ClinVar:

NM_015978.3(TNNI3K):c.77T>C (p.Ile26Thr)

Genes: FPGT-TNNI3K (FPGT-TNNI3K readthrough; plus strand), TNNI3K (TNNI3 interacting kinase; plus strand). Cytogenetic location: 1p31.1.
Variant type: single nucleotide variant.
Coding change: c.77T>C on transcript NM_015978.3 (MANE Select); coding-DNA position 77, T replaced by C.
Protein change: p.Ile26Thr; replaces isoleucine 26 with threonine.
Molecular consequence: missense variant.
Genome position (GRCh38, 1-based): chr1:74,236,138, T>C. VCF-style: chr1-74236138-T-C. GRCh37 (hg19) VCF-style: chr1-74701822-T-C.
Other names: c.380T>C, p.Ile127Thr (NM_001112808.3, NM_001199327.2); short protein forms I26T, I127T.
Identifiers: ClinVar variation 1441889 (VCV001441889.6), dbSNP rs1653844435, ClinGen allele CA340787019.
Genomic context (GRCh38, chr1:74,236,138, plus strand): 5'-ATCTCATTTGTTCTTCTTTACTAGATGAATGGAAGAAAAAAGTCAGTGAATCATATGTTA[T>C]CACAATAGAAAGATTAGAAGATGACCTGCAGATCAAGGAAAAAGAACTGACAGAACTAAG-3'
Protein context (NP_057062.1, residues 16-36): WKKKVSESYV[Ile26Thr]TIERLEDDLQ

ClinVar aggregate classification (germline): Uncertain significance (1 of 4 stars; one submission).

Allele frequency attached by ClinVar (database versions not stated): TOPMed below 0.00001; gnomAD 0.00001.
gnomAD v4.1: 1 of 1,608,282 alleles (0.000062%); highest among the groups gnomAD compares: African/African-American, 0.0013%; no homozygotes.

Submission:

Labcorp Genetics (formerly Invitae), Labcorp
Classification: Uncertain significance. Last evaluated: 2024-08-27. Review status: criteria provided, single submitter. Criteria: Invitae Variant Classification Sherloc (09022015). Collection method: clinical testing. Allele origin: germline.
Comment: This sequence change replaces isoleucine, which is neutral and non-polar, with threonine, which is neutral and polar, at codon 26 of the TNNI3K protein (p.Ile26Thr). This variant is not present in population databases (gnomAD no frequency). This variant has not been reported in the literature in individuals affected with TNNI3K-related conditions. ClinVar contains an entry for this variant (Variation ID: 1441889). Invitae Evidence Modeling of protein sequence and biophysical properties (such as structural, functional, and spatial information, amino acid conservation, physicochemical variation, residue mobility, and thermodynamic stability) indicates that this missense variant is not expected to disrupt TNNI3K protein function with a negative predictive value of 80%. In summary, the available evidence is currently insufficient to determine the role of this variant in disease. Therefore, it has been classified as a Variant of Uncertain Significance.